The following is an entry in ClinVar:

NM_006642.5(SDCCAG8):c.103G>T (p.Ala35Ser)

Gene: SDCCAG8 (SHH signaling and ciliogenesis regulator SDCCAG8; plus strand). Cytogenetic location: 1q43.
Variant type: single nucleotide variant.
Coding change: c.103G>T on transcript NM_006642.5 (MANE Select); coding-DNA position 103, G replaced by T.
Protein change: p.Ala35Ser; replaces alanine 35 with serine.
Molecular consequence: missense variant. On other transcripts: 5 prime UTR variant (4).
Genome position (GRCh38, 1-based): chr1:243,270,140, G>T. VCF-style: chr1-243270140-G-T. GRCh37 (hg19) VCF-style: chr1-243433442-G-T.
Other names: c.-1010G>T (NM_001350246.2); c.-898G>T (NM_001350247.2); c.103G>T, p.Ala35Ser (NM_001350248.2); c.-192G>T (NM_001350249.2); c.-1271G>T (NM_001350251.2); short protein forms A35S.
Identifiers: ClinVar variation 1716180 (VCV001716180.5), dbSNP rs781638035, ClinGen allele CA345473799.

ClinVar aggregate classification (germline): Uncertain significance (1 of 4 stars; one submission).

Conditions:
Senior-Loken syndrome 7 (SLSN7). Identifiers: Orphanet 3156, MedGen C3150877, MONDO:0013326, OMIM 613615.
Bardet-Biedl syndrome 16 (BBS16). Identifiers: Orphanet 110, MedGen C3889474, MONDO:0014444, OMIM 615993.

Submission:

Labcorp Genetics (formerly Invitae), Labcorp
Classification: Uncertain significance for Bardet-Biedl syndrome 16; Senior-Loken syndrome 7. Last evaluated: 2023-10-13. Review status: criteria provided, single submitter. Criteria: Invitae Variant Classification Sherloc (09022015). Collection method: clinical testing. Allele origin: germline.
Comment: This sequence change replaces alanine, which is neutral and non-polar, with serine, which is neutral and polar, at codon 35 of the SDCCAG8 protein (p.Ala35Ser). This variant is not present in population databases (gnomAD no frequency). This variant has not been reported in the literature in individuals affected with SDCCAG8-related conditions. ClinVar contains an entry for this variant (Variation ID: 1716180). An algorithm developed to predict the effect of missense changes on protein structure and function (PolyPhen-2) suggests that this variant is likely to be tolerated. In summary, the available evidence is currently insufficient to determine the role of this variant in disease. Therefore, it has been classified as a Variant of Uncertain Significance.